The following is an entry in ClinVar:

ClinVar aggregate classification (germline): Benign. Review status: criteria provided, single submitter (1 of 4 stars). 2 submissions from 1 submitter: Benign (2). Last evaluated 2018-01-13.

Conditions:
Dystonia 9 (DYT9). Also called: CHOREOATHETOSIS, KINESIGENIC, WITH EPISODIC ATAXIA AND SPASTICITY. Identifiers: Orphanet 53583, MedGen C1832855, MONDO:0010983, OMIM 601042.
Encephalopathy due to GLUT1 deficiency. Also called: Classic Glucose Transporter Type 1 Deficiency Syndrome; GLUCOSE TRANSPORT DEFECT, BLOOD-BRAIN BARRIER; De Vivo disease; Glucose transporter protein syndrome; GLUT1 deficiency syndrome 1, infantile onset, severe; GLUT1 deficiency syndrome 1. Identifiers: Orphanet 71277, MedGen C4551966, MONDO:0011724, OMIM 606777.

Allele frequency attached by ClinVar (database versions not stated): 1000 Genomes Project 30x 0.00156; 1000 Genomes Project 0.00160; gnomAD 0.00191 and 0.00206; TOPMed 0.00192.

Submissions (2):

Illumina Laboratory Services, Illumina
Classification: Benign for Encephalopathy due to GLUT1 deficiency. Last evaluated: 2018-01-13. Review status: criteria provided, single submitter. Criteria: ICSL Variant Classification Criteria 13 December 2019. Collection method: clinical testing. Allele origin: germline.
Comment: This variant was observed in the ICSL laboratory as part of a predisposition screen in an ostensibly healthy population. It had not been previously curated by ICSL or reported in the Human Gene Mutation Database (HGMD: prior to June 1st, 2018), and was therefore a candidate for classification through an automated scoring system. Utilizing variant allele frequency, disease prevalence and penetrance estimates, and inheritance mode, an automated score was calculated to assess if this variant is too frequent to cause the disease. Based on the score and internal cut-off values, a variant classified as benign is not then subjected to further curation. The score for this variant resulted in a classification of benign for this disease.

Illumina Laboratory Services, Illumina
Classification: Benign for Dystonia 9. Last evaluated: 2018-01-13. Review status: criteria provided, single submitter. Criteria: ICSL Variant Classification Criteria 13 December 2019. Collection method: clinical testing. Allele origin: germline.
Comment: the same text as in the submission from Illumina Laboratory Services, Illumina above.

NM_006516.4(SLC2A1):c.*1588G>A

Gene: SLC2A1 (solute carrier family 2 member 1; minus strand). Cytogenetic location: 1p34.2.
Variant type: single nucleotide variant.
Coding change: c.*1588G>A on transcript NM_006516.4 (MANE Select); 1588 bases downstream of the stop codon, G replaced by A.
Molecular consequence: 3 prime UTR variant.
Genome position (GRCh38, 1-based): chr1:42,925,453, C>T on the plus strand (G>A on the coding strand, the complement: SLC2A1 is on the minus strand). VCF-style: chr1-42925453-C-T. GRCh37 (hg19) VCF-style: chr1-43391124-C-T.
Identifiers: ClinVar variation 297351 (VCV000297351.5), dbSNP rs189700252, ClinGen allele CA10610244.